The following is an entry in ClinVar:

ClinVar aggregate classification (germline): Pathogenic. Review status: reviewed by expert panel (3 of 4 stars). 4 submissions from 4 submitters: Pathogenic (1). 3 of the submissions do not count toward it. Last evaluated 2022-05-18.

Conditions:
DICER1-related tumor predisposition. Also called: DICER1 syndrome; DICER1-related pleuropulmonary blastoma cancer predisposition syndrome. Identifiers: Orphanet 284343, MedGen C3839822, MONDO:0100216.
Hereditary cancer-predisposing syndrome. Also called: Tumor predisposition; Hereditary Cancer Syndrome; Neoplastic Syndromes, Hereditary; Hereditary neoplastic syndrome. Identifiers: Orphanet 140162, MedGen C0027672, MeSH D009386, MONDO:0015356.

Submissions (4):

ClinGen DICER1 and miRNA-Processing Gene Variant Curation Expert Panel, ClinGen
Classification: Pathogenic for DICER1-related tumor predisposition. Last evaluated: 2022-05-18. Review status: reviewed by expert panel. Criteria: ClinGen DICER1 ACMG Specifications DICER1 v1. Collection method: curation. Allele origin: germline. Inheritance: Autosomal dominant inheritance.
Comment: The NM_177438.2:c.1408G>T (p.Glu470Ter) variant in DICER1 is a nonsense variant predicted to cause a premature stop codon in biologically-relevant-exon 9/27 leading to nonsense mediated decay in a gene in which loss-of-function is an established disease mechanism (PVS1). This variant received a total of 1 phenotype points across 1 family meeting DICER1 VCEP phenotype specificity scoring criteria of 1-1.5 points (PS4_Supporting; PMIDs 26925222, 28323992, 30178239, 30339877). At least one patient with this variant was found to have a somatic second hit in a recognized DICER1 hotspot codon on tumor sequencing, which is highly specific for DICER1 syndrome (PP4, PMID 28323992). This variant is absent from gnomAD v2.1.1 and v3.1.1 (non-cancer) (PM2_Supporting). In summary, this variant meets the criteria to be classified as Pathogenic for DICER1 syndrome based on the ACMG/AMP criteria applied, as specified by the ClinGen DICER1 VCEP: (PVS1, PS4_supporting, PP4, PM2_supporting. (Bayesian Points: 11; VCEP specifications version 1; 02/11/2022)

Ambry Genetics
Classification: Pathogenic for Hereditary cancer-predisposing syndrome. Last evaluated: 2021-03-03. Review status: criteria provided, single submitter. Criteria: Ambry Variant Classification Scheme 2023. Collection method: clinical testing. Allele origin: germline. Not counted in ClinVar's aggregate classification.
Comment: The p.E470* pathogenic mutation (also known as c.1408G>T), located in coding exon 8 of the DICER1 gene, results from a G to T substitution at nucleotide position 1408. This changes the amino acid from a glutamic acid to a stop codon within coding exon 8. This alteration was identified in an individual with nodular hyperplasia of the thyroid (Khan NE et al. J Clin Endocrinol Metab, 2017 05;102:1614-1622). In addition to the clinical data presented in the literature, this alteration is expected to result in loss of function by premature protein truncation or nonsense-mediated mRNA decay. As such, this alteration is interpreted as a disease-causing mutation.

Foulkes Cancer Genetics LDI, Lady Davis Institute for Medical Research
Classification: Pathogenic for Pleuropulmonary blastoma. Last evaluated: 2019-07-01. Review status: criteria provided, single submitter. Criteria: ACMG Guidelines, 2015. Collection method: curation. Allele origin: germline. Affected: yes. Observed: 3 variant alleles. Not counted in ClinVar's aggregate classification.
Comment: ACMG criteria met: PVS1, PM2, PM7, PP4

International Pleuropulmonary Blastoma Registry, Children's Hospitals and Clinics of Minnesota
Classification: Pathogenic for Pleuropulmonary blastoma. Last evaluated: 2014-11-10. Review status: criteria provided, single submitter. Criteria: Hill et al. (Science. 2009). Collection method: clinical testing. Allele origin: germline. Affected: yes. Study: PPB-DICER1 Genetic study. Not counted in ClinVar's aggregate classification.

Literature cited by the submitters: PubMed 28323992 (cited by Ambry Genetics and Foulkes Cancer Genetics LDI, Lady Davis Institute for Medical Research); PubMed 30339877 (cited by Ambry Genetics and Foulkes Cancer Genetics LDI, Lady Davis Institute for Medical Research); PubMed 26925222 (cited by Foulkes Cancer Genetics LDI, Lady Davis Institute for Medical Research and International Pleuropulmonary Blastoma Registry, Children's Hospitals and Clinics of Minnesota).

NM_177438.3(DICER1):c.1408G>T (p.Glu470Ter)

Gene: DICER1 (dicer 1, ribonuclease III; minus strand). Cytogenetic location: 14q32.13.
Variant type: single nucleotide variant.
Coding change: c.1408G>T on transcript NM_177438.3 (MANE Select); coding-DNA position 1408, G replaced by T.
Protein change: p.Glu470Ter; replaces glutamic acid 470 with a stop codon.
Molecular consequence: nonsense.
Genome position (GRCh38, 1-based): chr14:95,117,723, C>A on the plus strand (G>T on the coding strand, the complement: DICER1 is on the minus strand). VCF-style: chr14-95117723-C-A. GRCh37 (hg19) VCF-style: chr14-95584060-C-A.
Other names: NM_177438.2(DICER1):c.1408G>T; p.Glu470Ter; c.1408G>T, p.Glu470Ter (NM_001195573.1, NM_001271282.3, NM_001291628.2 and 1 more transcripts); short protein forms E470*.
Identifiers: ClinVar variation 254287 (VCV000254287.10), dbSNP rs886037671, ClinGen allele CA10586458.